The following is an entry in ClinVar:

ClinVar aggregate classification (germline): Uncertain significance. Review status: criteria provided, multiple submitters, no conflicts (2 of 4 stars). 2 submissions from 2 submitters: Uncertain significance (2). Last evaluated 2025-10-23.

Conditions:
Inborn genetic diseases. Identifiers: MedGen C0950123, MeSH D030342.

Submissions (2):

Labcorp Genetics (formerly Invitae), Labcorp
Classification: Uncertain significance. Last evaluated: 2025-10-23. Review status: criteria provided, single submitter. Criteria: Invitae Variant Classification Sherloc (09022015). Collection method: clinical testing. Allele origin: germline.
Comment: This sequence change replaces proline, which is neutral and non-polar, with leucine, which is neutral and non-polar, at codon 1364 of the COL4A1 protein (p.Pro1364Leu). This variant is not present in population databases (gnomAD no frequency). This variant has not been reported in the literature in individuals affected with COL4A1-related conditions. ClinVar contains an entry for this variant (Variation ID: 3147569). Invitae Evidence Modeling of protein sequence and biophysical properties (such as structural, functional, and spatial information, amino acid conservation, physicochemical variation, residue mobility, and thermodynamic stability) indicates that this missense variant is not expected to disrupt COL4A1 protein function with a negative predictive value of 95%. In summary, the available evidence is currently insufficient to determine the role of this variant in disease. Therefore, it has been classified as a Variant of Uncertain Significance.

Ambry Genetics
Classification: Uncertain significance for Inborn genetic diseases. Last evaluated: 2023-11-13. Review status: criteria provided, single submitter. Criteria: Ambry Variant Classification Scheme 2023. Collection method: clinical testing. Allele origin: germline.

NM_001845.6(COL4A1):c.4091C>T (p.Pro1364Leu)

Gene: COL4A1 (collagen type IV alpha 1 chain; minus strand). Cytogenetic location: 13q34.
Variant type: single nucleotide variant.
Coding change: c.4091C>T on transcript NM_001845.6 (MANE Select); coding-DNA position 4091, C replaced by T.
Protein change: p.Pro1364Leu; replaces proline 1364 with leucine.
Molecular consequence: missense variant.
Genome position (GRCh38, 1-based): chr13:110,164,921, G>A on the plus strand (C>T on the coding strand, the complement: COL4A1 is on the minus strand). VCF-style: chr13-110164921-G-A. GRCh37 (hg19) VCF-style: chr13-110817268-G-A.
Other names: short protein forms P1364L.
Identifiers: ClinVar variation 3147569 (VCV003147569.2), dbSNP rs2501745919, ClinGen allele CA388660123.
Genomic context (GRCh38, chr13:110,164,921, plus strand): 5'-CCTTGCTGGCCTTTCGGGCCTGGCAGTCCCTGAAGCCCTTTCAGCCCTGGGGGGCCCTCA[G>A]GACCAGGGAGCCCGGGCTCCCCTTTGATGATGTCGTAAGGACCTGGGGGGCCAGGAGGAC-3'
Protein context (NP_001836.3, residues 1354-1374): IIKGEPGLPG[Pro1364Leu]EGPPGLKGLQ